The following is an entry in ClinVar:

ClinVar aggregate classification (germline): Benign. Review status: criteria provided, multiple submitters, no conflicts (2 of 4 stars). 2 submissions from 2 submitters: Benign (2). Last evaluated 2018-06-19.

Allele frequency attached by ClinVar (database versions not stated): TOPMed 0.22477; 1000 Genomes Project 0.19369; 1000 Genomes Project 30x 0.19769.

Submissions (2):

GeneDx
Classification: Benign. Last evaluated: 2018-06-19. Review status: criteria provided, single submitter. Criteria: GeneDx Variant Classification (06012015). Collection method: clinical testing. Allele origin: germline. Affected: yes.
Comment: This variant is considered likely benign or benign based on one or more of the following criteria: it is a conservative change, it occurs at a poorly conserved position in the protein, it is predicted to be benign by multiple in silico algorithms, and/or has population frequency not consistent with disease.

Breakthrough Genomics
Classification: Benign. Review status: criteria provided, single submitter. Criteria: ACMG Guidelines, 2015. Collection method: not provided. Allele origin: germline. Inheritance: Autosomal recessive inheritance. Affected: yes.

NM_207346.3(TSEN54):c.1252+149G>C

Gene: TSEN54 (tRNA splicing endonuclease subunit 54; plus strand). Cytogenetic location: 17q25.1.
Variant type: single nucleotide variant.
Coding change: c.1252+149G>C on transcript NM_207346.3 (MANE Select); 149 bases into the intron after coding-DNA position 1252, G replaced by C.
Molecular consequence: intron variant.
Genome position (GRCh38, 1-based): chr17:75,522,482, G>C. VCF-style: chr17-75522482-G-C. GRCh37 (hg19) VCF-style: chr17-73518563-G-C.
Identifiers: ClinVar variation 675584 (VCV000675584.2), dbSNP rs67746118, ClinGen allele CA8764372.